The following is an entry in ClinVar:

ClinVar aggregate classification (germline): Uncertain significance. Review status: criteria provided, multiple submitters, no conflicts (2 of 4 stars). 3 submissions from 3 submitters: Uncertain significance (3). Last evaluated 2025-04-14.

Conditions:
Inborn genetic diseases. Identifiers: MedGen C0950123, MeSH D030342.
PROM1-related disorder. Also called: PROM1-related condition; PROM1-related disorders.

gnomAD v4.1: 1 of 1,582,048 alleles (0.000063%); highest among the groups gnomAD compares: Non-Finnish European, 0.000087%; no homozygotes.

Submissions (3):

PreventionGenetics, part of Exact Sciences
Classification: Uncertain significance for PROM1-related condition. Last evaluated: 2025-04-14. Review status: criteria provided, single submitter. Criteria: ACMG Guidelines, 2015. Collection method: clinical testing. Allele origin: germline.
Comment: The PROM1 c.1577G>T variant is predicted to result in the amino acid substitution p.Arg526Leu. To our knowledge, this variant has not been reported in the literature or in a large population database (gnomad) indicating this variant is rare. At this time, the clinical significance of this variant is uncertain due to the absence of conclusive functional and genetic evidence.

Blueprint Genetics
Classification: Uncertain significance. Last evaluated: 2024-01-18. Review status: criteria provided, single submitter. Criteria: ACMG Guidelines, 2015. Collection method: clinical testing. Allele origin: germline.

Ambry Genetics
Classification: Uncertain significance for Inborn genetic diseases. Last evaluated: 2023-07-14. Review status: criteria provided, single submitter. Criteria: Ambry Variant Classification Scheme 2023. Collection method: clinical testing. Allele origin: germline.

NM_006017.3(PROM1):c.1577G>T (p.Arg526Leu)

Gene: PROM1 (prominin 1; minus strand). Cytogenetic location: 4p15.32.
Variant type: single nucleotide variant.
Coding change: c.1577G>T on transcript NM_006017.3 (MANE Select); coding-DNA position 1577, G replaced by T.
Protein change: p.Arg526Leu; replaces arginine 526 with leucine.
Molecular consequence: missense variant.
Genome position (GRCh38, 1-based): chr4:16,000,497, C>A on the plus strand (G>T on the coding strand, the complement: PROM1 is on the minus strand). VCF-style: chr4-16000497-C-A. GRCh37 (hg19) VCF-style: chr4-16002120-C-A.
Other names: c.1550G>T, p.Arg517Leu (NM_001145847.2, NM_001145848.2, NM_001145851.2 and 4 more transcripts); c.1577G>T, p.Arg526Leu (NM_001145849.2, NM_001145850.2); short protein forms R517L, R526L.
Identifiers: ClinVar variation 2596071 (VCV002596071.4), dbSNP rs201692179, ClinGen allele CA2866731.